The following is an entry in ClinVar:

ClinVar aggregate classification (germline): Uncertain significance (1 of 4 stars; one submission).

Submission:

GeneDx
Classification: Uncertain significance. Last evaluated: 2026-04-16. Review status: criteria provided, single submitter. Criteria: GeneDx Variant Classification Process June 2021. Collection method: clinical testing. Allele origin: germline.
Comment: Not observed at significant frequency in large population cohorts (gnomAD); Frameshift variant predicted to result in protein truncation or nonsense mediated decay in a gene or region of a gene for which loss of function is not a well-established mechanism of disease; Has not been previously published as pathogenic or benign to our knowledge

NM_001206998.2(ZNRF3):c.1920delinsAA (p.Ala641fs)

Gene: ZNRF3 (zinc and ring finger 3; plus strand). Cytogenetic location: 22q12.1.
Variant type: Indel.
Coding change: c.1920delinsAA on transcript NM_001206998.2 (MANE Select); coding-DNA position 1920, T replaced by AA.
Protein change: p.Ala641fs; shifts the reading frame from alanine 641.
Molecular consequence: frameshift variant.
Genome position (GRCh38, 1-based): chr22:29,050,101, T replaced by AA. VCF-style: chr22-29050101-T-AA. GRCh37 (hg19) VCF-style: chr22-29446089-T-AA.
Other names: c.1620delinsAA, p.Ala541fs (NM_032173.4); short protein forms A541fs, A641fs.
Identifiers: ClinVar variation 5037353 (VCV005037353.1).